The following is an entry in ClinVar:

ClinVar aggregate classification (germline): Uncertain significance (1 of 4 stars; one submission).

Conditions:
Catecholaminergic polymorphic ventricular tachycardia 1. Also called: RYR2-Related Catecholaminergic Polymorphic Ventricular Tachycardia; VENTRICULAR TACHYCARDIA, CATECHOLAMINERGIC POLYMORPHIC, 1, WITH OR WITHOUT ATRIAL DYSFUNCTION AND/OR DILATED CARDIOMYOPATHY; VENTRICULAR TACHYCARDIA, STRESS-INDUCED POLYMORPHIC 1. Identifiers: Orphanet 3286, MedGen C1631597, MONDO:0011484, OMIM 604772.

Submission:

Labcorp Genetics (formerly Invitae), Labcorp
Classification: Uncertain significance for Catecholaminergic polymorphic ventricular tachycardia 1. Last evaluated: 2020-05-26. Review status: criteria provided, single submitter. Criteria: Invitae Variant Classification Sherloc (09022015). Collection method: clinical testing. Allele origin: germline.
Comment: This sequence change replaces glutamic acid with lysine at codon 411 of the RYR2 protein (p.Glu411Lys). The glutamic acid residue is highly conserved and there is a small physicochemical difference between glutamic acid and lysine. This variant is not present in population databases (ExAC no frequency). This variant has not been reported in the literature in individuals with RYR2-related conditions. Algorithms developed to predict the effect of missense changes on protein structure and function (SIFT, PolyPhen-2, Align-GVGD) all suggest that this variant is likely to be disruptive, but these predictions have not been confirmed by published functional studies and their clinical significance is uncertain. In summary, the available evidence is currently insufficient to determine the role of this variant in disease. Therefore, it has been classified as a Variant of Uncertain Significance.

NM_001035.3(RYR2):c.1231G>A (p.Glu411Lys)

Gene: RYR2 (ryanodine receptor 2; plus strand). Cytogenetic location: 1q43.
Variant type: single nucleotide variant.
Coding change: c.1231G>A on transcript NM_001035.3 (MANE Select); coding-DNA position 1231, G replaced by A.
Protein change: p.Glu411Lys; replaces glutamic acid 411 with lysine.
Molecular consequence: missense variant.
Genome position (GRCh38, 1-based): chr1:237,445,461, G>A. VCF-style: chr1-237445461-G-A. GRCh37 (hg19) VCF-style: chr1-237608761-G-A.
Other names: short protein forms E411K.
Identifiers: ClinVar variation 1007507 (VCV001007507.10), dbSNP rs866407992, ClinGen allele CA39779753.